The following is an entry in ClinVar:

ClinVar aggregate classification (germline): Benign/Likely benign. Review status: criteria provided, multiple submitters, no conflicts (2 of 4 stars). 8 submissions from 8 submitters: Benign (4); Likely benign (3). 1 of the submissions does not count toward it. Last evaluated 2025-12-23.

Conditions:
TSC2-related disorder. Also called: TSC2-related condition; TSC2-Related Disorders.
Hereditary cancer-predisposing syndrome. Also called: Tumor predisposition; Neoplastic Syndromes, Hereditary; Hereditary Cancer Syndrome; Hereditary neoplastic syndrome. Identifiers: Orphanet 140162, MedGen C0027672, MeSH D009386, MONDO:0015356.
Tuberous sclerosis syndrome (TSC). Also called: Tuberous Sclerosis Complex; Tuberous sclerosis. Identifiers: Orphanet 805, MedGen C0041341, MONDO:0001734.
Tuberous sclerosis 2 (TSC2). Identifiers: Orphanet 805, MedGen C1860707, MONDO:0013199, OMIM 613254.

Allele frequency attached by ClinVar (database versions not stated): gnomAD 0.00002 and 0.00003; gnomAD exomes 0.00002; TOPMed 0.00002; ExAC 0.00004; ESP Exome Variant Server 0.00008; 1000 Genomes Project 30x 0.00016; 1000 Genomes Project 0.00020.

Submissions (8):

Labcorp Genetics (formerly Invitae), Labcorp
Classification: Benign for Tuberous sclerosis 2. Last evaluated: 2025-12-23. Review status: criteria provided, single submitter. Criteria: Invitae Variant Classification Sherloc (09022015). Collection method: clinical testing. Allele origin: germline.

Quest Diagnostics Nichols Institute San Juan Capistrano
Classification: Benign. Last evaluated: 2025-07-02. Review status: criteria provided, single submitter. Criteria: Quest Diagnostics criteria. Collection method: clinical testing. Allele origin: unknown.

Myriad Genetics, Inc.
Classification: Benign for Tuberous sclerosis 2. Last evaluated: 2025-05-21. Review status: criteria provided, single submitter. Criteria: Myriad Autosomal Dominant, Autosomal Recessive and X-Linked Classification Criteria (2023). Collection method: clinical testing. Allele origin: unknown.
Comment: This variant is considered benign. This variant is a silent/synonymous amino acid change and it is not expected to impact splicing.

Color Diagnostics, LLC DBA Color Health
Classification: Likely benign for Tuberous sclerosis syndrome. Last evaluated: 2022-11-06. Review status: criteria provided, single submitter. Criteria: ACMG Guidelines, 2015. Collection method: clinical testing. Allele origin: germline.

Genome-Nilou Lab
Classification: Benign for Tuberous sclerosis 2. Last evaluated: 2021-11-07. Review status: criteria provided, single submitter. Criteria: ACMG Guidelines, 2015. Collection method: clinical testing. Allele origin: germline. Affected: no.

Ambry Genetics
Classification: Likely benign for Hereditary cancer-predisposing syndrome. Last evaluated: 2019-06-21. Review status: criteria provided, single submitter. Criteria: Ambry Variant Classification Scheme 2023. Collection method: clinical testing. Allele origin: germline.

GeneDx
Classification: Likely benign. Last evaluated: 2018-12-07. Review status: criteria provided, single submitter. Criteria: GeneDx Variant Classification Process June 2021. Collection method: clinical testing. Allele origin: germline. Affected: yes.
Comment: This variant is associated with the following publications: (PMID: 23619168)

PreventionGenetics, part of Exact Sciences
Classification: Likely benign for TSC2-related condition. Last evaluated: 2024-08-12. Review status: no assertion criteria provided. Collection method: clinical testing. Allele origin: germline. Not counted in ClinVar's aggregate classification.
Comment: This variant is classified as likely benign based on ACMG/AMP sequence variant interpretation guidelines (Richards et al. 2015 PMID: 25741868, with internal and published modifications).

NM_000548.5(TSC2):c.2673C>T (p.His891=)

Gene: TSC2 (TSC complex subunit 2; plus strand). Cytogenetic location: 16p13.3.
Variant type: single nucleotide variant.
Coding change: c.2673C>T on transcript NM_000548.5 (MANE Select); coding-DNA position 2673, C replaced by T.
Protein change: p.His891=; no amino-acid change (histidine 891 retained).
Molecular consequence: synonymous variant.
Genome position (GRCh38, 1-based): chr16:2,076,101, C>T. VCF-style: chr16-2076101-C-T. GRCh37 (hg19) VCF-style: chr16-2126102-C-T.
Other names: c.2673C>T, p.His891= (NM_001077183.3, NM_001114382.3, NM_001363528.2 and 3 more transcripts); c.2562C>T, p.His854= (NM_001318827.2); c.2526C>T, p.His842= (NM_001318829.2); c.2073C>T, p.His691= (NM_001318831.2); c.2706C>T, p.His902= (NM_001318832.2); c.2673C>T (NM_000548.4).
Identifiers: ClinVar variation 413699 (VCV000413699.23), dbSNP rs373866604, ClinGen allele CA040864.